The following is an entry in ClinVar:

ClinVar aggregate classification (germline): Likely benign. Review status: criteria provided, multiple submitters, no conflicts (2 of 4 stars). 3 submissions from 3 submitters: Likely benign (3). Last evaluated 2025-06-20.

Conditions:
HCN4-related disorder. Also called: HCN4-related condition.
Cardiovascular phenotype. Identifiers: MedGen CN230736.
Brugada syndrome 8 (BRGDA8). Identifiers: Orphanet 130, MedGen C2751083, MONDO:0013148, OMIM 613123.

Allele frequency attached by ClinVar (database versions not stated): TOPMed below 0.00001; gnomAD 0.00001.
gnomAD v4.1: 27 of 1,372,174 alleles (0.002%); highest among the groups gnomAD compares: Non-Finnish European, 0.0025%; no homozygotes.

Submissions (3):

PreventionGenetics, part of Exact Sciences
Classification: Likely benign for HCN4-related condition. Last evaluated: 2025-06-20. Review status: criteria provided, single submitter. Criteria: ACMG Guidelines, 2015. Collection method: clinical testing. Allele origin: germline.
Comment: This variant is classified as likely benign based on ACMG/AMP sequence variant interpretation guidelines (Richards et al. 2015 PMID: 25741868, with internal and published modifications).

Labcorp Genetics (formerly Invitae), Labcorp
Classification: Likely benign for Brugada syndrome 8. Last evaluated: 2025-02-12. Review status: criteria provided, single submitter. Criteria: Invitae Variant Classification Sherloc (09022015). Collection method: clinical testing. Allele origin: germline.

Ambry Genetics
Classification: Likely benign for Cardiovascular phenotype. Last evaluated: 2023-09-07. Review status: criteria provided, single submitter. Criteria: Ambry Variant Classification Scheme 2023. Collection method: clinical testing. Allele origin: germline.

NM_005477.3(HCN4):c.381G>A (p.Glu127=)

Gene: HCN4 (hyperpolarization activated cyclic nucleotide gated potassium channel 4; minus strand). Cytogenetic location: 15q24.1.
Variant type: single nucleotide variant.
Coding change: c.381G>A on transcript NM_005477.3 (MANE Select); coding-DNA position 381, G replaced by A.
Protein change: p.Glu127=; no amino-acid change (glutamic acid 127 retained).
Molecular consequence: synonymous variant.
Genome position (GRCh38, 1-based): chr15:73,367,890, C>T on the plus strand (G>A on the coding strand, the complement: HCN4 is on the minus strand). VCF-style: chr15-73367890-C-T. GRCh37 (hg19) VCF-style: chr15-73660231-C-T.
Other names: c.381G>A (NM_005477.2).
Identifiers: ClinVar variation 2079771 (VCV002079771.7), dbSNP rs1478227882, ClinGen allele CA491479323.